The following is an entry in ClinVar:

NM_000051.4(ATM):c.4000_4006del (p.His1334fs)

Gene: ATM (ATM serine/threonine kinase; plus strand). Cytogenetic location: 11q22.3.
Variant type: Deletion.
Coding change: c.4000_4006del on transcript NM_000051.4 (MANE Select); coding-DNA positions 4000 to 4006, 7 bases deleted (CACTTAT; older notation c.4000_4006delCACTTAT).
Protein change: p.His1334fs; shifts the reading frame from histidine 1334.
Molecular consequence: frameshift variant.
Genome position (GRCh38, 1-based): chr11:108,287,606-108,287,612, CACTTAT deleted; deleting any 7 consecutive bases within chr11:108,287,604-108,287,612 gives the same sequence; the c. name uses the placement nearest the transcript's 3' end. VCF-style (leftmost placement, unchanged base first): chr11-108287603-GATCACTT-G. GRCh37 (hg19) VCF-style: chr11-108158330-GATCACTT-G.
Other names: c.4000_4006del, p.His1334fs (NM_001351834.2); short protein forms H1334fs.
Identifiers: ClinVar variation 1070096 (VCV001070096.9), dbSNP rs2135735093, ClinGen allele CA2499220627.

ClinVar aggregate classification (germline): Pathogenic/Likely pathogenic. Review status: criteria provided, multiple submitters, no conflicts (2 of 4 stars). 3 submissions from 3 submitters: Pathogenic (2); Likely pathogenic (1). Last evaluated 2024-01-23.

Conditions:
Familial cancer of breast. Also called: Hereditary breast cancer; BREAST CANCER, FAMILIAL; hereditary breast carcinoma. Identifiers: Orphanet 227535, MedGen C0346153, MONDO:0016419, OMIM 114480. Disease mechanism: loss of function.
Ataxia-telangiectasia syndrome (AT). Also called: LOUIS-BAR SYNDROME; Ataxia-telangiectasia, complementation group D; AT, COMPLEMENTATION GROUP C; Cerebello-oculocutaneous telangiectasia; Immunodeficiency with ataxia telangiectasia; ATAXIA-TELANGIECTASIA, COMPLEMENTATION GROUP A. Identifiers: Orphanet 100, MedGen C0004135, MONDO:0008840, OMIM 208900.

Submissions (3):

Myriad Genetics, Inc.
Classification: Pathogenic for Familial cancer of breast. Last evaluated: 2024-01-23. Review status: criteria provided, single submitter. Criteria: Myriad Autosomal Dominant, Autosomal Recessive and X-Linked Classification Criteria (2023). Collection method: clinical testing. Allele origin: unknown.
Comment: This variant is considered pathogenic. This variant creates a frameshift predicted to result in premature protein truncation.

Labcorp Genetics (formerly Invitae), Labcorp
Classification: Pathogenic for Ataxia-telangiectasia syndrome. Last evaluated: 2022-09-12. Review status: criteria provided, single submitter. Criteria: Invitae Variant Classification Sherloc (09022015). Collection method: clinical testing. Allele origin: germline.
Comment: ClinVar contains an entry for this variant (Variation ID: 1070096). This sequence change creates a premature translational stop signal (p.His1334Serfs*13) in the ATM gene. It is expected to result in an absent or disrupted protein product. Loss-of-function variants in ATM are known to be pathogenic (PMID: 23807571, 25614872). This variant is not present in population databases (gnomAD no frequency). This variant has not been reported in the literature in individuals affected with ATM-related conditions. For these reasons, this variant has been classified as Pathogenic.

Baylor Genetics
Classification: Likely pathogenic for Familial cancer of breast. Last evaluated: 2022-04-11. Review status: criteria provided, single submitter. Criteria: ACMG Guidelines, 2015. Collection method: clinical testing. Allele origin: unknown.

Literature cited by the submitters: PubMed 23807571 (cited by Labcorp Genetics (formerly Invitae), Labcorp); PubMed 25614872 (cited by Labcorp Genetics (formerly Invitae), Labcorp).